The following is an entry in ClinVar:

ClinVar aggregate classification (germline): Pathogenic (1 of 4 stars; one submission).

Conditions:
Polycystic kidney disease, adult type (PKD1). Also called: Polycystic Kidney, Autosomal Dominant; POLYCYSTIC KIDNEY DISEASE, ADULT, TYPE I; Polycystic Kidney Disease 1, Autosomal Dominant; Polycystic kidney disease 1; Polycystic kidney disease 1, severe; POLYCYSTIC KIDNEY DISEASE 1 WITH OR WITHOUT POLYCYSTIC LIVER DISEASE. Identifiers: MedGen C3149841, MONDO:0008263, OMIM 173900.

Submission:

Victorian Clinical Genetics Services, Murdoch Childrens Research Institute
Classification: Pathogenic for Polycystic kidney disease, adult type. Last evaluated: 2024-10-15. Review status: criteria provided, single submitter. Criteria: ACMG Guidelines, 2015. Collection method: clinical testing. Allele origin: germline. Affected: yes.
Comment: This variant is classified as Pathogenic. Evidence in support of pathogenic classification: Canonical splice site variant without proven consequence on splicing (no functional evidence available); Variant is absent from gnomAD (v2, v3 and v4); This variant has limited previous evidence of pathogenicity in unrelated individual. It has been observed in one individual with bilateral polycystic kidney disease (PMID: 31056860); Other canonical splice variants comparable to the one identified in this case have strong previous evidence for pathogenicity. c.1722+1G>A has been reported in the literature in individuals with ADPKD (PMIDs: 30586318, 38464892, 22508176). In addition, c.1722+1G>T and c.1722+2T>C have been classified as pathogenic and likely pathogenic by clinical laboratories (ClinVar). Additional information: This variant is heterozygous; This gene is associated with autosomal dominant disease. Polycystic kidney disease 1 (MIM#173900) is predominantly caused by monoallelic variants, with rare reports of biallelic variants causing disease (OMIM); No published segregation evidence has been identified for this variant; No published functional evidence has been identified for this variant; in silico prediction for abnormal splicing are conflicting; Loss of function is a known mechanism of disease in this gene and is associated with polycystic kidney disease 1 (MIM#173900); Inheritance information for this variant is not currently available in this individual.

Literature cited by the submitters: PubMed 30586318; PubMed 31056860; PubMed 22508176; PubMed 38464892.

NM_001009944.3(PKD1):c.1722+1G>C

Gene: PKD1 (polycystin 1, transient receptor potential channel interacting; minus strand). Cytogenetic location: 16p13.3.
Variant type: single nucleotide variant.
Coding change: c.1722+1G>C on transcript NM_001009944.3 (MANE Select); the canonical splice donor site of the intron after coding-DNA position 1722, G replaced by C.
Molecular consequence: splice donor variant.
Genome position (GRCh38, 1-based): chr16:2,116,528, C>G on the plus strand (G>C on the coding strand, the complement: PKD1 is on the minus strand). VCF-style: chr16-2116528-C-G. GRCh37 (hg19) VCF-style: chr16-2166529-C-G.
Other names: c.1722+1G>C (NM_000296.4).
Identifiers: ClinVar variation 4531586 (VCV004531586.1).